The following is an entry in ClinVar:

NM_000179.3(MSH6):c.3908C>T (p.Ala1303Val)

Gene: MSH6 (mutS homolog 6; plus strand). Cytogenetic location: 2p16.3.
Variant type: single nucleotide variant.
Coding change: c.3908C>T on transcript NM_000179.3 (MANE Select); coding-DNA position 3908, C replaced by T.
Protein change: p.Ala1303Val; replaces alanine 1303 with valine.
Molecular consequence: missense variant.
Genome position (GRCh38, 1-based): chr2:47,806,558, C>T. VCF-style: chr2-47806558-C-T. GRCh37 (hg19) VCF-style: chr2-48033697-C-T.
Other names: c.3518C>T, p.Ala1173Val (NM_001281492.2); c.3002C>T, p.Ala1001Val (NM_001281493.2, NM_001281494.2); short protein forms A1001V, A1173V, A1303V.
Identifiers: ClinVar variation 926785 (VCV000926785.7), dbSNP rs201060668, ClinGen allele CA346761437.

ClinVar aggregate classification (germline): Uncertain significance. Review status: criteria provided, multiple submitters, no conflicts (2 of 4 stars). 4 submissions from 4 submitters: Uncertain significance (4). Last evaluated 2026-08-14.

Conditions:
Hereditary nonpolyposis colorectal neoplasms. Identifiers: MedGen C0009405, MeSH D003123.
Hereditary cancer-predisposing syndrome. Also called: Neoplastic Syndromes, Hereditary; Hereditary Cancer Syndrome; Tumor predisposition; Hereditary neoplastic syndrome. Identifiers: Orphanet 140162, MedGen C0027672, MeSH D009386, MONDO:0015356.

Allele frequency attached by ClinVar (database versions not stated): gnomAD exomes below 0.00001.

Submissions (4):

Ambry Genetics
Classification: Uncertain significance for Hereditary cancer-predisposing syndrome. Last evaluated: 2026-08-14. Review status: criteria provided, single submitter. Criteria: Ambry Variant Classification Scheme 2023. Collection method: clinical testing. Allele origin: germline.
Comment: The p.A1303V variant (also known as c.3908C>T), located in coding exon 9 of the MSH6 gene, results from a C to T substitution at nucleotide position 3908. The alanine at codon 1303 is replaced by valine, an amino acid with similar properties. This amino acid position is highly conserved in available vertebrate species. In addition, this alteration is predicted to be deleterious by in silico analysis. Based on the available evidence, the clinical significance of this variant remains unclear.

Labcorp Genetics (formerly Invitae), Labcorp
Classification: Uncertain significance for Hereditary nonpolyposis colorectal neoplasms. Last evaluated: 2025-03-07. Review status: criteria provided, single submitter. Criteria: Invitae Variant Classification Sherloc (09022015). Collection method: clinical testing. Allele origin: germline.
Comment: This sequence change replaces alanine, which is neutral and non-polar, with valine, which is neutral and non-polar, at codon 1303 of the MSH6 protein (p.Ala1303Val). This variant is present in population databases (no rsID available, gnomAD 0.003%). This variant has not been reported in the literature in individuals affected with MSH6-related conditions. ClinVar contains an entry for this variant (Variation ID: 926785). Invitae Evidence Modeling of protein sequence and biophysical properties (such as structural, functional, and spatial information, amino acid conservation, physicochemical variation, residue mobility, and thermodynamic stability) indicates that this missense variant is expected to disrupt MSH6 protein function with a positive predictive value of 80%. In summary, the available evidence is currently insufficient to determine the role of this variant in disease. Therefore, it has been classified as a Variant of Uncertain Significance.

GeneDx
Classification: Uncertain significance. Last evaluated: 2024-12-02. Review status: criteria provided, single submitter. Criteria: GeneDx Variant Classification Process June 2021. Collection method: clinical testing. Allele origin: germline. Affected: yes.
Comment: Not observed at significant frequency in large population cohorts (gnomAD); In silico analysis supports that this missense variant has a deleterious effect on protein structure/function; Has not been previously published as pathogenic or benign to our knowledge; This variant is associated with the following publications: (PMID: 17531815, 21120944, 12019211)

Color Diagnostics, LLC DBA Color Health
Classification: Uncertain significance for Hereditary cancer-predisposing syndrome. Last evaluated: 2019-12-17. Review status: criteria provided, single submitter. Criteria: ACMG Guidelines, 2015. Collection method: clinical testing. Allele origin: germline.
Comment: This missense variant replaces alanine with valine at codon 1303 of the MSH6 protein. Computational prediction suggests that this variant may have deleterious impact on protein structure and function (internally defined REVEL score threshold >= 0.7, PMID: 27666373). To our knowledge, functional studies have not been performed for this variant. This variant has not been reported in individuals affected with hereditary cancer in the literature. This variant has not been identified in the general population by the Genome Aggregation Database (gnomAD). The available evidence is insufficient to determine the role of this variant in disease conclusively. Therefore, this variant is classified as a Variant of Uncertain Significance.